The following is an entry in ClinVar:

ClinVar aggregate classification (germline): Uncertain significance (1 of 4 stars; one submission).

Conditions:
Singleton-Merten syndrome 1 (SGMRT1). Also called: Widened medullary cavities of bone, aortic calcification, abnormal dentition, and muscular weakness; Syndrome of widened medullary cavities of the metacarpals and phalanges, aortic calcification and abnormal dentition. Identifiers: Orphanet 85191, MedGen C4225427, MONDO:0024535, OMIM 182250.
Aicardi-Goutieres syndrome 7 (AGS7). Identifiers: Orphanet 51, MedGen C3888244, MONDO:0014367, OMIM 615846.

Allele frequency attached by ClinVar (database versions not stated): gnomAD exomes below 0.00001.
gnomAD v4.1: 3 of 1,608,992 alleles (0.00019%); highest among the groups gnomAD compares: Non-Finnish European, 0.00017%; no homozygotes.

Submission:

Labcorp Genetics (formerly Invitae), Labcorp
Classification: Uncertain significance for Aicardi-Goutieres syndrome 7; Singleton-Merten syndrome 1. Last evaluated: 2022-08-16. Review status: criteria provided, single submitter. Criteria: Invitae Variant Classification Sherloc (09022015). Collection method: clinical testing. Allele origin: germline.
Comment: This sequence change replaces isoleucine, which is neutral and non-polar, with valine, which is neutral and non-polar, at codon 441 of the IFIH1 protein (p.Ile441Val). This variant is not present in population databases (gnomAD no frequency). This variant has not been reported in the literature in individuals affected with IFIH1-related conditions. ClinVar contains an entry for this variant (Variation ID: 1468270). Algorithms developed to predict the effect of missense changes on protein structure and function output the following: SIFT: "Tolerated"; PolyPhen-2: "Benign"; Align-GVGD: "Class C0". The valine amino acid residue is found in multiple mammalian species, which suggests that this missense change does not adversely affect protein function. In summary, the available evidence is currently insufficient to determine the role of this variant in disease. Therefore, it has been classified as a Variant of Uncertain Significance.

NM_022168.4(IFIH1):c.1321A>G (p.Ile441Val)

Gene: IFIH1 (interferon induced with helicase C domain 1; minus strand). Cytogenetic location: 2q24.2.
Variant type: single nucleotide variant.
Coding change: c.1321A>G on transcript NM_022168.4 (MANE Select); coding-DNA position 1321, A replaced by G.
Protein change: p.Ile441Val; replaces isoleucine 441 with valine.
Molecular consequence: missense variant.
Genome position (GRCh38, 1-based): chr2:162,281,531, T>C on the plus strand (A>G on the coding strand, the complement: IFIH1 is on the minus strand). VCF-style: chr2-162281531-T-C. GRCh37 (hg19) VCF-style: chr2-163138041-T-C.
Other names: short protein forms I441V.
Identifiers: ClinVar variation 1468270 (VCV001468270.6), dbSNP rs2105202129, ClinGen allele CA349002595.
Genomic context (GRCh38, chr2:162,281,531, plus strand): 5'-AATGCCTCATGATGTTATTATACACTGCTTCTTTGTTGGTGTGATGACATTCATCAATGA[T>C]AATGAGGGAAAAGTCTTAAAAGAAAATTCAAAGAGTTCATTTCTCCATATCAGCACACTA-3'
Protein context (NP_071451.2, residues 431-451): GVQLSDFSLI[Ile441Val]IDECHHTNKE